The following is an entry in ClinVar:

NM_004415.4(DSP):c.2223T>G (p.Tyr741Ter)

Gene: DSP (desmoplakin; plus strand). Cytogenetic location: 6p24.3.
Variant type: single nucleotide variant.
Coding change: c.2223T>G on transcript NM_004415.4 (MANE Select); coding-DNA position 2223, T replaced by G.
Protein change: p.Tyr741Ter; replaces tyrosine 741 with a stop codon.
Molecular consequence: nonsense.
Genome position (GRCh38, 1-based): chr6:7,574,178, T>G. VCF-style: chr6-7574178-T-G. GRCh37 (hg19) VCF-style: chr6-7574411-T-G.
Other names: c.2223T>G, p.Tyr741Ter (NM_001008844.3, NM_001319034.2); short protein forms Y741*.
Identifiers: ClinVar variation 1074224 (VCV001074224.7), dbSNP rs2113683217, ClinGen allele CA362680841.

ClinVar aggregate classification (germline): Pathogenic (1 of 4 stars; one submission).

Conditions:
Arrhythmogenic right ventricular dysplasia 8 (ARVD8). Also called: Arrhythmogenic Right Ventricular Dysplasia/Cardiomyopathy 8; ARRHYTHMOGENIC RIGHT VENTRICULAR DYSPLASIA, FAMILIAL, 8; ARRHYTHMOGENIC RIGHT VENTRICULAR CARDIOMYOPATHY 8. Identifiers: MedGen C1843896, MONDO:0011831, OMIM 607450.
Arrhythmogenic cardiomyopathy with wooly hair and keratoderma. Also called: PALMOPLANTAR KERATODERMA WITH LEFT VENTRICULAR CARDIOMYOPATHY AND WOOLLY HAIR; Carvajal syndrome; Arrhythmogenic cardiomyopathy with woolly hair and keratoderma; Dilated cardiomyopathy with woolly hair and keratoderma. Identifiers: Orphanet 65282, MedGen C1854063, MONDO:0011581, OMIM 605676.

Submission:

Labcorp Genetics (formerly Invitae), Labcorp
Classification: Pathogenic for Arrhythmogenic cardiomyopathy with wooly hair and keratoderma; Arrhythmogenic right ventricular dysplasia 8. Last evaluated: 2025-10-27. Review status: criteria provided, single submitter. Criteria: Invitae Variant Classification Sherloc (09022015). Collection method: clinical testing. Allele origin: germline.
Comment: This sequence change creates a premature translational stop signal (p.Tyr741*) in the DSP gene. It is expected to result in an absent or disrupted protein product. Loss-of-function variants in DSP are known to be pathogenic (PMID: 20716751, 24503780, 25227139, 30398466). This variant is not present in population databases (gnomAD no frequency). This variant has not been reported in the literature in individuals affected with DSP-related conditions. ClinVar contains an entry for this variant (Variation ID: 1074224). For these reasons, this variant has been classified as Pathogenic.

Literature cited by the submitters: PubMed 20716751; PubMed 24503780; PubMed 25227139; PubMed 30398466.